The following is an entry in ClinVar:

ClinVar aggregate classification (germline): Benign/Likely benign. Review status: criteria provided, multiple submitters, no conflicts (2 of 4 stars). 12 submissions from 11 submitters: Benign (7); Likely benign (3). 2 of the submissions do not count toward it. Last evaluated 2026-09-01.

Conditions:
SCNN1G-related disorder. Also called: SCNN1G-Related Disorders; SCNN1G-related condition.
Liddle syndrome 2. Identifiers: MedGen C4748251, MONDO:0020854, OMIM 618114.
Pseudohypoaldosteronism, type IB1, autosomal recessive. Also called: Pseudohypoaldosteronism, Type I, Recessive; Autosomal recessive pseudohypoaldosteronism type 1; Pseudohypoaldosteronism, Type I, Autosomal Recessive; PHA I, AUTOSOMAL RECESSIVE. Identifiers: Orphanet 171876, Orphanet 756, MedGen C5774176, MONDO:0009917, OMIM 264350.
Bronchiectasis with or without elevated sweat chloride 3 (BESC3). Identifiers: Orphanet 60033, MedGen C2751324, MONDO:0013112, OMIM 613071.

Allele frequency attached by ClinVar (database versions not stated): ExAC 0.00475; TOPMed 0.01314; gnomAD 0.01155 and 0.01206; 1000 Genomes Project 0.01458; gnomAD exomes 0.00409; 1000 Genomes Project 30x 0.01374.
gnomAD v4.1: 4,678 of 1,614,194 alleles (0.29%); highest among the groups gnomAD compares: African/African-American, 3.7%; 73 homozygotes.

Submissions (13):

CeGaT Center for Human Genetics Tuebingen
Classification: Benign. Last evaluated: 2026-09-01. Review status: criteria provided, single submitter. Criteria: CeGaT Center For Human Genetics Tuebingen Variant Classification Criteria Version 2. Collection method: clinical testing. Allele origin: germline. Affected: yes. Observed: 3 variant alleles.
Comment: SCNN1G: BP4, BS1, BS2

Labcorp Genetics (formerly Invitae), Labcorp
Classification: Benign. Last evaluated: 2026-01-27. Review status: criteria provided, single submitter. Criteria: Invitae Variant Classification Sherloc (09022015). Collection method: clinical testing. Allele origin: germline.

Mayo Clinic Laboratories, Mayo Clinic
Classification: Benign. Last evaluated: 2024-12-03. Review status: criteria provided, single submitter. Criteria: ACMG Guidelines, 2015. Collection method: clinical testing. Allele origin: germline. Observed: 1 variant allele.
Comment: BS1, BS2, BP4_moderate

Mendelics
Classification: Benign for Pseudohypoaldosteronism, type IB1, autosomal recessive. Last evaluated: 2019-05-28. Review status: criteria provided, single submitter. Criteria: Mendelics Assertion Criteria 2017. Collection method: clinical testing. Allele origin: unknown.

Athena Diagnostics
Classification: Benign. Last evaluated: 2017-11-06. Review status: criteria provided, single submitter. Criteria: Athena Diagnostics Criteria. Collection method: clinical testing. Allele origin: germline.

Laboratory for Molecular Medicine, Mass General Brigham Personalized Medicine
Classification: Benign. Last evaluated: 2017-11-02. Review status: criteria provided, single submitter. Criteria: LMM Criteria. Collection method: clinical testing. Allele origin: germline. Observed: 1 variant allele.
Comment: p.Gly183Ser in exon 3 of SCNN1G: This variant is not expected to have clinical s ignificance because it has been identified in 3.6% (868/24032) of African chromo somes including 17 homozygotes by the Genome Aggregation Database (gnomAD; dbSNP rs5736) and there is lack of conservation acr oss species, including mammals. Of note, 44 species have a serine (Ser) residue at this position despite high nearby amino acid conservation. ACMG/AMP Criteria applied: BA1, BS4, BP4.

Illumina Laboratory Services, Illumina
Classification: Likely benign for Pseudohypoaldosteronism, type IB1, autosomal recessive. Last evaluated: 2017-04-28. Review status: criteria provided, single submitter. Criteria: ICSL Variant Classification Criteria 13 December 2019. Collection method: clinical testing. Allele origin: germline.
Comment: This variant was observed as part of a predisposition screen in an ostensibly healthy population. A literature search was performed for the gene, cDNA change, and amino acid change (where applicable). No publications were found based on this search. Allele frequency data from public databases allowed determination this variant is unlikely to cause disease. Therefore, this variant is classified as likely benign.

Illumina Laboratory Services, Illumina
Classification: Likely benign for Liddle syndrome 2. Last evaluated: 2017-04-28. Review status: criteria provided, single submitter. Criteria: ICSL Variant Classification Criteria 13 December 2019. Collection method: clinical testing. Allele origin: germline.
Comment: This variant was observed as part of a predisposition screen in an ostensibly healthy population. A literature search was performed for the gene, cDNA change, and amino acid change (where applicable). Publications were found based on this search. The evidence from the literature, in combination with allele frequency data from public databases where available, was sufficient to determine this variant is unlikely to cause disease. Therefore, this variant is classified as likely benign.

Center for Pediatric Genomic Medicine, Children's Mercy Hospital and Clinics
Classification: Benign. Last evaluated: 2015-12-22. Review status: criteria provided, single submitter. Criteria: ACMG Guidelines, 2015. Collection method: clinical testing. Allele origin: germline.

Breakthrough Genomics
Classification: Likely benign. Review status: criteria provided, single submitter. Criteria: ACMG Guidelines, 2015. Collection method: not provided. Allele origin: germline. Inheritance: Autosomal dominant inheritance. Affected: yes.

PreventionGenetics, part of Exact Sciences
Classification: Benign for SCNN1G-related condition. Last evaluated: 2019-07-03. Review status: no assertion criteria provided. Collection method: clinical testing. Allele origin: germline. Not counted in ClinVar's aggregate classification.
Comment: This variant is classified as benign based on ACMG/AMP sequence variant interpretation guidelines (Richards et al. 2015 PMID: 25741868, with internal and published modifications).

OMIM
Classification: Pathogenic for BRONCHIECTASIS WITH OR WITHOUT ELEVATED SWEAT CHLORIDE 3. Last evaluated: 2008-05-28. Review status: no assertion criteria provided. Collection method: literature only. Allele origin: germline. Not counted in ClinVar's aggregate classification.

Dr. Peter K. Rogan Lab, Western University
No classification provided (evidence only). Condition: Uterine corpus endometrial carcinoma. Review status: no classification provided. Collection method: in vitro. Allele origin: not applicable. Functional consequence: retained intron. Not counted in ClinVar's aggregate classification.

Literature cited by the submitters: PubMed 18507830 (cited by 5 submitters); PubMed 31328266 (cited by Mayo Clinic Laboratories, Mayo Clinic); PubMed 17460608 (cited by Athena Diagnostics); PubMed 27884173 (cited by Athena Diagnostics); PubMed 22995991 (cited by Athena Diagnostics and Laboratory for Molecular Medicine, Mass General Brigham Personalized Medicine); PubMed 10391210 (cited by Athena Diagnostics); PubMed 25900089 (cited by 3 submitters).

NM_001039.4(SCNN1G):c.547G>A (p.Gly183Ser)

Gene: SCNN1G (sodium channel epithelial 1 subunit gamma; plus strand). Cytogenetic location: 16p12.2.
Variant type: single nucleotide variant.
Coding change: c.547G>A on transcript NM_001039.4 (MANE Select); coding-DNA position 547, G replaced by A.
Protein change: p.Gly183Ser; replaces glycine 183 with serine.
Molecular consequence: missense variant.
Genome position (GRCh38, 1-based): chr16:23,189,600, G>A. VCF-style: chr16-23189600-G-A. GRCh37 (hg19) VCF-style: chr16-23200921-G-A.
Other names: short protein forms G183S.
Identifiers: ClinVar variation 8828 (VCV000008828.37), dbSNP rs5736, ClinGen allele CA119952.